The following is an entry in ClinVar:

NM_014140.4(SMARCAL1):c.2226G>A (p.Thr742=)

Gene: SMARCAL1 (SNF2 related chromatin remodeling annealing helicase 1; plus strand). Cytogenetic location: 2q35.
Variant type: single nucleotide variant.
Coding change: c.2226G>A on transcript NM_014140.4 (MANE Select); coding-DNA position 2226, G replaced by A.
Protein change: p.Thr742=; no amino-acid change (threonine 742 retained).
Molecular consequence: synonymous variant.
Genome position (GRCh38, 1-based): chr2:216,468,028, G>A. VCF-style: chr2-216468028-G-A. GRCh37 (hg19) VCF-style: chr2-217332751-G-A.
Other names: c.2226G>A, p.Thr742= (NM_001127207.2).
Identifiers: ClinVar variation 260343 (VCV000260343.18), dbSNP rs2271335, ClinGen allele CA2098145.

ClinVar aggregate classification (germline): Benign/Likely benign. Review status: criteria provided, multiple submitters, no conflicts (2 of 4 stars). 5 submissions from 5 submitters: Benign (1); Likely benign (3). 1 of the submissions does not count toward it. Last evaluated 2026-01-28.

Conditions:
Schimke immuno-osseous dysplasia (SIOD). Also called: Schimke Immunoosseous Dysplasia. Identifiers: Orphanet 1830, MedGen C0877024, MONDO:0009458, OMIM 242900.

Allele frequency attached by ClinVar (database versions not stated): gnomAD 0.00009 and 0.00031; TOPMed 0.00033; 1000 Genomes Project 0.00140; 1000 Genomes Project 30x 0.00156.
gnomAD v4.1: 778 of 1,612,474 alleles (0.048%); highest among the groups gnomAD compares: South Asian, 0.72%; 7 homozygotes.

Submissions (5):

Labcorp Genetics (formerly Invitae), Labcorp
Classification: Benign for Schimke immuno-osseous dysplasia. Last evaluated: 2026-01-28. Review status: criteria provided, single submitter. Criteria: Invitae Variant Classification Sherloc (09022015). Collection method: clinical testing. Allele origin: germline.

Blueprint Genetics
Classification: Likely benign. Last evaluated: 2024-11-07. Review status: criteria provided, single submitter. Criteria: ACMG Guidelines, 2015. Collection method: clinical testing. Allele origin: germline.

Illumina Laboratory Services, Illumina
Classification: Likely benign for Schimke immuno-osseous dysplasia. Last evaluated: 2018-01-12. Review status: criteria provided, single submitter. Criteria: ICSL Variant Classification Criteria 13 December 2019. Collection method: clinical testing. Allele origin: germline.
Comment: This variant was observed in the ICSL laboratory as part of a predisposition screen in an ostensibly healthy population. It had not been previously curated by ICSL or reported in the Human Gene Mutation Database (HGMD: prior to June 1st, 2018), and was therefore a candidate for classification through an automated scoring system. Utilizing variant allele frequency, disease prevalence and penetrance estimates, and inheritance mode, an automated score was calculated to assess if this variant is too frequent to cause the disease. Based on the score and internal cut-off values, a variant classified as likely benign is not then subjected to further curation. The score for this variant resulted in a classification of likely benign for this disease.

PreventionGenetics, part of Exact Sciences
Classification: Likely benign. Review status: criteria provided, single submitter. Criteria: ACMG Guidelines, 2015. Collection method: clinical testing. Allele origin: germline.

Natera, Inc.
Classification: Benign for Schimke immuno-osseous dysplasia. Last evaluated: 2020-01-09. Review status: no assertion criteria provided. Collection method: clinical testing. Allele origin: germline. Not counted in ClinVar's aggregate classification.